The following is an entry in ClinVar:

ClinVar aggregate classification (germline): Uncertain significance (1 of 4 stars; one submission).

Conditions:
Hereditary breast ovarian cancer syndrome. Also called: Hereditary breast and ovarian cancer syndrome (HBOC); Hereditary breast and ovarian cancer syndrome; Breast and ovarian cancer; Hereditary breast and/or ovarian cancer syndrome; Hereditary breast and ovarian cancer; BRCA1- and BRCA2-Associated Hereditary Breast and Ovarian Cancer. Identifiers: Orphanet 145, MedGen C0677776, MeSH D061325, MONDO:0003582. Disease mechanism: loss of function.

Submission:

Labcorp Genetics (formerly Invitae), Labcorp
Classification: Uncertain significance for Hereditary breast ovarian cancer syndrome. Last evaluated: 2017-08-24. Review status: criteria provided, single submitter. Criteria: Invitae Variant Classification Sherloc (09022015). Collection method: clinical testing. Allele origin: germline.
Comment: A gross duplication of the genomic region encompassing the full coding sequence of the BRCA1 gene has been identified. The boundaries of this event are unknown as the duplication extends beyond the assayed region for this gene and therefore may encompass additional genes. As the precise location of this duplication is unknown, it may be in tandem or it may be located elsewhere in the genome. This variant has not been reported in the literature in individuals with a BRCA1-related disease. In summary, the exact genomic location of this variant is unknown and the impact of this duplication on BRCA1 protein function has not been established. Therefore, it has been classified as a Variant of Uncertain Significance.

NC_000017.10:g.(?_41197689)_(41276119_?)dup

Genes: BRCA1 (BRCA1 DNA repair associated; minus strand), LOC126862571 (BRD4-independent group 4 enhancer GRCh37_chr17:41243136-41244335; plus strand), LOC111589216 (BRCA1 intron 2 regulatory region; plus strand), LOC110485084 (BRCA1 intronic recombination region; plus strand). Cytogenetic location: 17q21.31.
Variant type: Duplication.
Identifiers: ClinVar variation 462178 (VCV000462178.1).